The following is an entry in ClinVar:

NM_017763.6(RNF43):c.1990A>G (p.Thr664Ala)

Gene: RNF43 (ring finger protein 43; minus strand). Cytogenetic location: 17q22.
Variant type: single nucleotide variant.
Coding change: c.1990A>G on transcript NM_017763.6 (MANE Select); coding-DNA position 1990, A replaced by G.
Protein change: p.Thr664Ala; replaces threonine 664 with alanine.
Molecular consequence: missense variant.
Genome position (GRCh38, 1-based): chr17:58,357,786, T>C on the plus strand (A>G on the coding strand, the complement: RNF43 is on the minus strand). VCF-style: chr17-58357786-T-C. GRCh37 (hg19) VCF-style: chr17-56435147-T-C.
Other names: c.1990A>G, p.Thr664Ala (NM_001305544.3); c.1609A>G, p.Thr537Ala (NM_001305545.2); short protein forms T537A, T664A.
Identifiers: ClinVar variation 2106624 (VCV002106624.5), dbSNP rs2143393731, ClinGen allele CA400386658.
Genomic context (GRCh38, chr17:58,357,786, plus strand): 5'-AATGGGGAAAAATCTGGCAAGCTGGGTGCACAGTTGCATCCTGGGGCCGAGAGCCAGGGG[T>C]GGGCTCGGAGGGACCCCCCCGCCTTTTCCTCTGTGGGTGTCGGGCAGAGAGGCTGGATTT-3'
Protein context (NP_060233.3, residues 654-674): RKRRGGPSEP[Thr664Ala]PGSRPQDATV

ClinVar aggregate classification (germline): Uncertain significance. Review status: criteria provided, multiple submitters, no conflicts (2 of 4 stars). 2 submissions from 2 submitters: Uncertain significance (2). Last evaluated 2025-04-05.

Submissions (2):

Ambry Genetics
Classification: Uncertain significance. Last evaluated: 2025-04-05. Review status: criteria provided, single submitter. Criteria: Ambry Variant Classification Scheme 2023. Collection method: clinical testing. Allele origin: germline.
Comment: The p.T664A variant (also known as c.1990A>G), located in coding exon 8 of the RNF43 gene, results from an A to G substitution at nucleotide position 1990. The threonine at codon 664 is replaced by alanine, an amino acid with similar properties. This amino acid position is conserved. In addition, this alteration is predicted to be tolerated by in silico analysis. Based on the available evidence, the clinical significance of this variant remains unclear.

Labcorp Genetics (formerly Invitae), Labcorp
Classification: Uncertain significance. Last evaluated: 2022-03-03. Review status: criteria provided, single submitter. Criteria: Invitae Variant Classification Sherloc (09022015). Collection method: clinical testing. Allele origin: germline.
Comment: This sequence change replaces threonine, which is neutral and polar, with alanine, which is neutral and non-polar, at codon 664 of the RNF43 protein (p.Thr664Ala). This variant is not present in population databases (gnomAD no frequency). This variant has not been reported in the literature in individuals affected with RNF43-related conditions. Algorithms developed to predict the effect of missense changes on protein structure and function (SIFT, PolyPhen-2, Align-GVGD) all suggest that this variant is likely to be tolerated. In summary, the available evidence is currently insufficient to determine the role of this variant in disease. Therefore, it has been classified as a Variant of Uncertain Significance.